The following is an entry in ClinVar:

NM_001110556.2(FLNA):c.487G>A (p.Ala163Thr)

Gene: FLNA (filamin A; minus strand). Cytogenetic location: Xq28.
Variant type: single nucleotide variant.
Coding change: c.487G>A on transcript NM_001110556.2 (MANE Select); coding-DNA position 487, G replaced by A.
Protein change: p.Ala163Thr; replaces alanine 163 with threonine.
Molecular consequence: missense variant.
Genome position (GRCh38, 1-based): chrX:154,367,977, C>T on the plus strand (G>A on the coding strand, the complement: FLNA is on the minus strand). VCF-style: chrX-154367977-C-T. GRCh37 (hg19) VCF-style: chrX-153596345-C-T.
Other names: c.487G>A, p.Ala163Thr (NM_001456.4); short protein forms A163T.
Identifiers: ClinVar variation 579682 (VCV000579682.12), dbSNP rs1569551875, ClinGen allele CA415250066.

ClinVar aggregate classification (germline): Uncertain significance. Review status: criteria provided, multiple submitters, no conflicts (2 of 4 stars). 2 submissions from 2 submitters: Uncertain significance (2). Last evaluated 2025-07-20.

Conditions:
Heterotopia, periventricular, X-linked dominant (PVNH1). Also called: PERIVENTRICULAR NODULAR HETEROTOPIA 4; HETEROTOPIA, PERIVENTRICULAR, 1; PERIVENTRICULAR NODULAR HETEROTOPIA 1; X-linked periventricular heterotopia. Identifiers: Orphanet 2149, Orphanet 82004, MedGen C1848213, MONDO:0010233, OMIM 300049.
Melnick-Needles syndrome (MNS). Also called: Melnick-Needles Syndrome (FLNA-MNS); MELNICK-NEEDLES OSTEODYSPLASTY; OSTEODYSPLASTY OF MELNICK AND NEEDLES. Identifiers: Orphanet 2484, MedGen C0025237, MONDO:0010650, OMIM 309350.
Frontometaphyseal dysplasia (FMD1). Identifiers: Orphanet 1826, MedGen C0265293, MONDO:0015942.
Oto-palato-digital syndrome, type II (OPD2). Also called: Otopalatodigital Syndrome Type 2 (FLNA-OPD2); Otopalatodigital Syndrome, Type II; FACIOPALATOOSSEOUS SYNDROME; OPD II SYNDROME. Identifiers: Orphanet 669, Orphanet 90652, MedGen C1844696, MONDO:0010571, OMIM 304120.
Familial thoracic aortic aneurysm and aortic dissection (TAAD). Also called: Thoracic aortic aneurysms and dissections. Identifiers: Orphanet 91387, MedGen C4707243, MONDO:0019625.

Submissions (2):

Labcorp Genetics (formerly Invitae), Labcorp
Classification: Uncertain significance for Oto-palato-digital syndrome, type II; Heterotopia, periventricular, X-linked dominant; Frontometaphyseal dysplasia; Melnick-Needles syndrome. Last evaluated: 2025-07-20. Review status: criteria provided, single submitter. Criteria: Invitae Variant Classification Sherloc (09022015). Collection method: clinical testing. Allele origin: germline.
Comment: This sequence change replaces alanine, which is neutral and non-polar, with threonine, which is neutral and polar, at codon 163 of the FLNA protein (p.Ala163Thr). This variant is not present in population databases (gnomAD no frequency). This variant has not been reported in the literature in individuals affected with FLNA-related conditions. ClinVar contains an entry for this variant (Variation ID: 579682). Invitae Evidence Modeling of protein sequence and biophysical properties (such as structural, functional, and spatial information, amino acid conservation, physicochemical variation, residue mobility, and thermodynamic stability) indicates that this missense variant is not expected to disrupt FLNA protein function with a negative predictive value of 95%. In summary, the available evidence is currently insufficient to determine the role of this variant in disease. Therefore, it has been classified as a Variant of Uncertain Significance.

Ambry Genetics
Classification: Uncertain significance for Familial thoracic aortic aneurysm and aortic dissection. Last evaluated: 2020-03-10. Review status: criteria provided, single submitter. Criteria: Ambry Variant Classification Scheme 2023. Collection method: clinical testing. Allele origin: germline.
Comment: The p.A163T variant (also known as c.487G>A), located in coding exon 2 of the FLNA gene, results from a G to A substitution at nucleotide position 487. The alanine at codon 163 is replaced by threonine, an amino acid with similar properties. This amino acid position is not well conserved in available vertebrate species. In addition, this alteration is predicted to be tolerated by in silico analysis. Since supporting evidence is limited at this time, the clinical significance of this alteration remains unclear.